The following is an entry in ClinVar:

NM_001101.5(ACTB):c.1092_1105dup (p.Ile369fs)

Gene: ACTB (actin beta; minus strand). Cytogenetic location: 7p22.1.
Variant type: Duplication.
Coding change: c.1092_1105dup on transcript NM_001101.5 (MANE Select); coding-DNA positions 1092 to 1105, 14 bases duplicated (GTCCGGCCCCTCCA).
Protein change: p.Ile369fs; shifts the reading frame from isoleucine 369.
Molecular consequence: frameshift variant.
Genome position (GRCh38, 1-based): chr7:5,527,771-5,527,784, TGGAGGGGCCGGAC duplicated on the plus strand (GTCCGGCCCCTCCA on the coding strand, the reverse complement: ACTB is on the minus strand); duplicating any 14 consecutive bases within chr7:5,527,771-5,527,785 gives the same sequence; the c. name uses the placement nearest the transcript's 3' end. VCF-style (leftmost placement, unchanged base first): chr7-5527770-A-ATGGAGGGGCCGGAC. GRCh37 (hg19) VCF-style: chr7-5567401-A-ATGGAGGGGCCGGAC.
Other names: c.1092_1105dup (LRG_132t1); short protein forms I369fs.
Identifiers: ClinVar variation 373015 (VCV000373015.2), dbSNP rs1057518142, ClinGen allele CA16042577.
Genomic context (GRCh38, chr7:5,527,770, plus strand): 5'-GTCAAGAAAGGGTGTAACGCAACTAAGTCATAGTCCGCCTAGAAGCATTTGCGGTGGACG[A>ATGGAGGGGCCGGAC]TGGAGGGGCCGGACTCGTCATACTCCTGCTTGCTGATCCACATCTGCTGGAAGGTGGACA-3'

ClinVar aggregate classification (germline): Likely pathogenic (1 of 4 stars; one submission).

Submission:

GeneDx
Classification: Likely pathogenic. Last evaluated: 2016-09-20. Review status: criteria provided, single submitter. Criteria: GeneDx Variant Classification (06012015). Collection method: clinical testing. Allele origin: germline. Affected: yes.
Comment: The c.1092_1105dup14 likely pathogenic variant in the ACTB gene has not been reported previouslyas a pathogenic variant nor as a benign variant, to our knowledge. The c.1092_1105dup14 variantcauses a frameshift starting with codon Isoleucine 369, changes this amino acid to a Serine residue, andcreates a Stop codon at position 18 of the new reading frame, denoted p.Ile369SerfsX18 . This variantreplaces the usual last seven amino acids of the protein with 17 incorrect amino acids, elongating theprotein. This elongated protein may result in a gain-of-function, as observed with other ACTB genevariants resulting in Baraitser-Winter syndrome (Riviere et al., 2012); however, in the absence offunctional studies, the impact of c.1092_1105dup14 on the resultant protein is not known. Inaddition, the c.1092_1105dup14 variant was not observed in approximately 6,500 individuals ofEuropean and African American ancestry in the NHLBI Exome Sequencing Project, indicating it is nota common benign variant in these populations. Therefore, we interpret c.1092_1105dup14 as a likelypathogenic variant and as a possible explanation for growth retardation, developmentaldelays, short stature, corectopia, unusual stroma of the irides, facial dysmorphism, and intellectualdisability.